The following is an entry in ClinVar:

ClinVar aggregate classification (germline): Uncertain significance (1 of 4 stars; one submission).

Submission:

GeneDx
Classification: Uncertain significance. Last evaluated: 2026-05-23. Review status: criteria provided, single submitter. Criteria: GeneDx Variant Classification Process June 2021. Collection method: clinical testing. Allele origin: germline.
Comment: Not observed at significant frequency in large population cohorts (gnomAD); In silico analysis supports that this missense variant has a deleterious effect on protein structure/function; Has not been previously published as pathogenic or benign to our knowledge; This variant is associated with the following publications: (PMID: 30343943)

NM_001205293.3(CACNA1E):c.4230C>A (p.Phe1410Leu)

Gene: CACNA1E (calcium voltage-gated channel subunit alpha1 E; plus strand). Cytogenetic location: 1q25.3.
Variant type: single nucleotide variant.
Coding change: c.4230C>A on transcript NM_001205293.3 (MANE Select); coding-DNA position 4230, C replaced by A.
Protein change: p.Phe1410Leu; replaces phenylalanine 1410 with leucine.
Molecular consequence: missense variant.
Genome position (GRCh38, 1-based): chr1:181,757,027, C>A. VCF-style: chr1-181757027-C-A. GRCh37 (hg19) VCF-style: chr1-181726163-C-A.
Other names: c.4230C>A, p.Phe1410Leu (NM_000721.4); c.4173C>A, p.Phe1391Leu (NM_001205294.2); short protein forms F1391L, F1410L.
Identifiers: ClinVar variation 4529981 (VCV004529981.2).